The following is an entry in ClinVar:

NM_000052.7(ATP7A):c.816A>G (p.Ser272=)

Gene: ATP7A (ATPase copper transporting alpha; plus strand). Cytogenetic location: Xq21.1.
Variant type: single nucleotide variant.
Coding change: c.816A>G on transcript NM_000052.7 (MANE Select); coding-DNA position 816, A replaced by G.
Protein change: p.Ser272=; no amino-acid change (serine 272 retained).
Molecular consequence: synonymous variant.
Genome position (GRCh38, 1-based): chrX:77,989,438, A>G. VCF-style: chrX-77989438-A-G. GRCh37 (hg19) VCF-style: chrX-77244934-A-G.
Other names: c.816A>G, p.Ser272= (NM_001282224.2).
Identifiers: ClinVar variation 1652320 (VCV001652320.16), dbSNP rs2149083124, ClinGen allele CA517463693.

ClinVar aggregate classification (germline): Likely benign. Review status: criteria provided, multiple submitters, no conflicts (2 of 4 stars). 2 submissions from 2 submitters: Likely benign (2). Last evaluated 2025-06-01.

Conditions:
Menkes kinky-hair syndrome (MNK). Also called: Menkes Disease; Classic Menkes Disease; Copper transport disease. Identifiers: Orphanet 565, MedGen C0022716, MONDO:0010651, OMIM 309400.
X-linked distal spinal muscular atrophy type 3. Also called: SPINAL MUSCULAR ATROPHY, DISTAL, X-LINKED RECESSIVE; NEURONOPATHY, DISTAL HEREDITARY MOTOR, X-LINKED; NEUROPATHY, DISTAL HEREDITARY MOTOR, X-LINKED; ATP7A-Related Distal Motor Neuropathy. Identifiers: Orphanet 139557, MedGen C1845359, MONDO:0010338, OMIM 300489.
Cutis laxa, X-linked (OHS). Also called: EDS IX; Occipital horn syndrome. Identifiers: Orphanet 198, MedGen C0268353, MONDO:0010572, OMIM 304150.

Submissions (2):

CeGaT Center for Human Genetics Tuebingen
Classification: Likely benign. Last evaluated: 2025-06-01. Review status: criteria provided, single submitter. Criteria: CeGaT Center For Human Genetics Tuebingen Variant Classification Criteria Version 2. Collection method: clinical testing. Allele origin: germline. Affected: yes. Observed: 1 variant allele.
Comment: ATP7A: PM2:Supporting, BP4, BP7

Labcorp Genetics (formerly Invitae), Labcorp
Classification: Likely benign for X-linked distal spinal muscular atrophy type 3; Cutis laxa, X-linked; Menkes kinky-hair syndrome. Last evaluated: 2023-08-28. Review status: criteria provided, single submitter. Criteria: Invitae Variant Classification Sherloc (09022015). Collection method: clinical testing. Allele origin: germline.